The following is an entry in ClinVar:

NM_000266.4(NDP):c.362_363delinsTT (p.Arg121Leu)

Genes: NDP (norrin cystine knot growth factor NDP; minus strand), NDP-AS1 (NDP antisense RNA 1; plus strand). Cytogenetic location: Xp11.3.
Variant type: Indel.
Coding change: c.362_363delinsTT on transcript NM_000266.4 (MANE Select); coding-DNA positions 362 to 363, GG replaced by TT.
Protein change: p.Arg121Leu; replaces arginine 121 with leucine.
Molecular consequence: missense variant. On other transcripts: non-coding transcript variant (1).
Genome position (GRCh38, 1-based): chrX:43,949,838-43,949,839, CC replaced by AA on the plus strand (GG replaced by TT on the coding strand, the reverse complement: NDP is on the minus strand). VCF-style: chrX-43949838-CC-AA. GRCh37 (hg19) VCF-style: chrX-43809084-CC-AA.
Other names: short protein forms R121L.
Identifiers: ClinVar variation 5000820 (VCV005000820.1).

ClinVar aggregate classification (germline): Likely pathogenic (1 of 4 stars; one submission).

Conditions:
NDP-related disorder. Also called: NDP-related condition.

Submission:

PreventionGenetics, part of Exact Sciences
Classification: Likely pathogenic for NDP-related condition. Last evaluated: 2025-06-23. Review status: criteria provided, single submitter. Criteria: ACMG Guidelines, 2015. Collection method: clinical testing. Allele origin: germline.
Comment: The NDP c.362_363delinsTT variant is predicted to result in an in-frame deletion and insertion. To our knowledge, this variant has not been reported in the literature or in a large population database (gnomAD), indicating this variant is rare. However, an alternate nucleotide change resulting in the same amino acid change has been reported in individuals with vitreoretinopathy (Mintz-Hittner et al. 1996. PubMed ID: 9003348). Additionally, alternate nucleotide changes impacting this amino acid position (p.Arg121Gly, p.Arg121Trp, p.Arg121Gln) have been reported in individuals with vitreoretinopathy or Norrie disease and it has been suggested that this a mutational "hot spot" (Wu et al. 2007. PubMed ID: 17296899; Iarossi et al. 2017. PubMed ID: 28758032). This variant is interpreted as likely pathogenic.